The following is an entry in ClinVar:

NM_000051.4(ATM):c.5134T>C (p.Phe1712Leu)

Gene: ATM (ATM serine/threonine kinase; plus strand). Cytogenetic location: 11q22.3.
Variant type: single nucleotide variant.
Coding change: c.5134T>C on transcript NM_000051.4 (MANE Select); coding-DNA position 5134, T replaced by C.
Protein change: p.Phe1712Leu; replaces phenylalanine 1712 with leucine.
Molecular consequence: missense variant.
Genome position (GRCh38, 1-based): chr11:108,299,842, T>C. VCF-style: chr11-108299842-T-C. GRCh37 (hg19) VCF-style: chr11-108170569-T-C.
Other names: c.5134T>C, p.Phe1712Leu (NM_001351834.2); short protein forms F1712L.
Identifiers: ClinVar variation 1420030 (VCV001420030.8), dbSNP rs2135891932, ClinGen allele CA382540935.

ClinVar aggregate classification (germline): Uncertain significance (1 of 4 stars; one submission).

Conditions:
Ataxia-telangiectasia syndrome (AT). Also called: Ataxia telangiectasia (A-T); LOUIS-BAR SYNDROME; Cerebello-oculocutaneous telangiectasia; Immunodeficiency with ataxia telangiectasia; AT, COMPLEMENTATION GROUP C; Ataxia-telangiectasia, complementation group D. Identifiers: Orphanet 100, MedGen C0004135, MONDO:0008840, OMIM 208900.

Submission:

Labcorp Genetics (formerly Invitae), Labcorp
Classification: Uncertain significance for Ataxia-telangiectasia syndrome. Last evaluated: 2021-04-08. Review status: criteria provided, single submitter. Criteria: Invitae Variant Classification Sherloc (09022015). Collection method: clinical testing. Allele origin: germline.
Comment: Advanced modeling of protein sequence and biophysical properties (such as structural, functional, and spatial information, amino acid conservation, physicochemical variation, residue mobility, and thermodynamic stability) performed at Invitae indicates that this missense variant is not expected to disrupt ATM protein function. In summary, the available evidence is currently insufficient to determine the role of this variant in disease. Therefore, it has been classified as a Variant of Uncertain Significance. This variant has not been reported in the literature in individuals with ATM-related conditions. This variant is not present in population databases (ExAC no frequency). This sequence change replaces phenylalanine with leucine at codon 1712 of the ATM protein (p.Phe1712Leu). The phenylalanine residue is weakly conserved and there is a small physicochemical difference between phenylalanine and leucine.